The following is an entry in ClinVar:

ClinVar aggregate classification (germline): Uncertain significance (1 of 4 stars; one submission).

Conditions:
Intellectual developmental disorder, autosomal dominant 6, with or without seizures. Also called: GRIN2B-related developmental delay, intellectual disability and autism spectrum disorder; Intellectual disability, autosomal dominant 6. Identifiers: Orphanet 589547, MedGen C3151411, MONDO:0013509, OMIM 613970.
Developmental and epileptic encephalopathy, 27 (DEE27). Also called: Epileptic encephalopathy, early infantile, 27; GRIN2B-Related Neurodevelopmental Disorder. Identifiers: Orphanet 3451, MedGen C4015316, MONDO:0014505, OMIM 616139.

gnomAD v4.1: 1 of 1,614,154 alleles (0.000062%); highest among the groups gnomAD compares: Admixed American, 0.0017%; no homozygotes.

Submission:

Labcorp Genetics (formerly Invitae), Labcorp
Classification: Uncertain significance for Developmental and epileptic encephalopathy, 27; Intellectual developmental disorder, autosomal dominant 6, with or without seizures. Last evaluated: 2024-01-25. Review status: criteria provided, single submitter. Criteria: Invitae Variant Classification Sherloc (09022015). Collection method: clinical testing. Allele origin: germline.
Comment: This sequence change replaces glycine, which is neutral and non-polar, with arginine, which is basic and polar, at codon 1002 of the GRIN2B protein (p.Gly1002Arg). This variant is present in population databases (rs761281000, gnomAD 0.003%). This variant has not been reported in the literature in individuals affected with GRIN2B-related conditions. Advanced modeling of protein sequence and biophysical properties (such as structural, functional, and spatial information, amino acid conservation, physicochemical variation, residue mobility, and thermodynamic stability) has been performed at Invitae for this missense variant, however the output from this modeling did not meet the statistical confidence thresholds required to predict the impact of this variant on GRIN2B protein function. In summary, the available evidence is currently insufficient to determine the role of this variant in disease. Therefore, it has been classified as a Variant of Uncertain Significance.

NM_000834.5(GRIN2B):c.3004G>A (p.Gly1002Arg)

Gene: GRIN2B (glutamate ionotropic receptor NMDA type subunit 2B; minus strand). Cytogenetic location: 12p13.1.
Variant type: single nucleotide variant.
Coding change: c.3004G>A on transcript NM_000834.5 (MANE Select); coding-DNA position 3004, G replaced by A.
Protein change: p.Gly1002Arg; replaces glycine 1002 with arginine.
Molecular consequence: missense variant.
Genome position (GRCh38, 1-based): chr12:13,564,234, C>T on the plus strand (G>A on the coding strand, the complement: GRIN2B is on the minus strand). VCF-style: chr12-13564234-C-T. GRCh37 (hg19) VCF-style: chr12-13717168-C-T.
Other names: c.3004G>A, p.Gly1002Arg (NM_001413992.1); short protein forms G1002R.
Identifiers: ClinVar variation 2938708 (VCV002938708.3), dbSNP rs761281000, ClinGen allele CA6460956.
Genomic context (GRCh38, chr12:13,564,234, plus strand): 5'-GCTTCTTGCTGATGGACCTGGACTGGGTGGTGAAGGGTGGGTTGTCACAGTCGTAGAGCC[C>T]ATCGATGGAGCTGGCACTGCCAATACTATGGGGCCGGTGGTGATGGTGGTAGTGATCTTG-3'
Protein context (NP_000825.2, residues 992-1012): HSIGSASSID[Gly1002Arg]LYDCDNPPFT